The following is an entry in ClinVar:

NC_000004.12:g.45815310_45861251dup

Variant type: Duplication.
Identifiers: ClinVar variation 156916 (VCV000156916.2).

ClinVar aggregate classification (germline): not provided (0 of 4 stars; one submission).

Conditions:
Preeclampsia. Identifiers: Orphanet 275555, MedGen C0032914, MONDO:0005081, HP:0100602.

Submission:

Institute of Molecular and Cell Biology, University of Tartu
No classification provided. Condition: Preeclampsia. Review status: no classification provided. Collection method: case-control. Allele origin: unknown. Affected: yes. Study: Kasak2014.
Comment: The study aimed to determine the contribution of copy number variants in the genetic etiology of normal and complicated pregnancies. The samples represented (i) maternal blood DNA drawn from healthy pregnant women during 1st or 2nd trimester and (ii) maternal and paternal blood DNA drawn at term pregnancy cases representing normal and complicated gestations (severe preeclampsia, PE; gestational diabetes, GD; small-for-gestational age newborn, SGA; large-for-gestational age newborn, LGA). We performed CNV calling based on genome-wide genotyping dataset (Illumina HumanOmniExpress-24-v1 BeadChip) by applying three algorithms, QuantiSNP, GADA (Genome Alteration Detection Algorithm) and CNstream in parallel. The acquired CNV calls were merged with HD-CNV (Hotspot Detector for Copy Number Variants) program and only the CNVs predicted by at least two programs, were considered in subsequent analysis.

Literature cited by the submitters: PubMed 25666259.